The following is an entry in ClinVar:

ClinVar aggregate classification (germline): Likely benign. Review status: criteria provided, single submitter (1 of 4 stars). 2 submissions from 2 submitters: Likely benign (1). 1 of the submissions does not count toward it. Last evaluated 2024-11-27.

Conditions:
ABCC6-related disorder. Also called: ABCC6-related condition.

Allele frequency attached by ClinVar (database versions not stated): 1000 Genomes Project 0.00040; 1000 Genomes Project 30x 0.00062; TOPMed 0.00073; gnomAD 0.00080; ESP Exome Variant Server 0.00108; ExAC 0.00122.
gnomAD v4.1: 1,876 of 1,576,642 alleles (0.12%); highest among the groups gnomAD compares: Non-Finnish European, 0.15%; no homozygotes.

Submissions (2):

Blueprint Genetics
Classification: Likely benign. Last evaluated: 2024-11-27. Review status: criteria provided, single submitter. Criteria: ACMG Guidelines, 2015. Collection method: clinical testing. Allele origin: germline.

PreventionGenetics, part of Exact Sciences
Classification: Likely benign for ABCC6-related condition. Last evaluated: 2019-07-23. Review status: no assertion criteria provided. Collection method: clinical testing. Allele origin: germline. Not counted in ClinVar's aggregate classification.
Comment: This variant is classified as likely benign based on ACMG/AMP sequence variant interpretation guidelines (Richards et al. 2015 PMID: 25741868, with internal and published modifications).

NM_001171.6(ABCC6):c.1780-36T>A

Gene: ABCC6 (ATP binding cassette subfamily C member 6; minus strand). Cytogenetic location: 16p13.11.
Variant type: single nucleotide variant.
Coding change: c.1780-36T>A on transcript NM_001171.6 (MANE Select); 36 bases into the intron before coding-DNA position 1780, T replaced by A.
Molecular consequence: intron variant.
Genome position (GRCh38, 1-based): chr16:16,187,247, A>T on the plus strand (T>A on the coding strand, the complement: ABCC6 is on the minus strand). VCF-style: chr16-16187247-A-T. GRCh37 (hg19) VCF-style: chr16-16281104-A-T.
Other names: c.1438-36T>A (NM_001351800.1).
Identifiers: ClinVar variation 3043092 (VCV003043092.3), dbSNP rs201049560, ClinGen allele CA7926163.